The following is an entry in ClinVar:

ClinVar aggregate classification (germline): Uncertain significance. Review status: criteria provided, multiple submitters, no conflicts (2 of 4 stars). 2 submissions from 2 submitters: Uncertain significance (2). Last evaluated 2024-10-24.

Conditions:
Stormorken syndrome (STRMK). Also called: THROMBOCYTOPATHY, ASPLENIA, AND MIOSIS. Identifiers: Orphanet 3204, MedGen C1861451, MONDO:0008497, OMIM 185070.
Myopathy with tubular aggregates (TAM). Also called: Tubular Aggregate Myopathy. Identifiers: Orphanet 2593, MedGen C0410207, MONDO:0008051.
Combined immunodeficiency due to STIM1 deficiency. Also called: STIM1 DEFICIENCY; IMMUNODEFICIENCY 10. Identifiers: Orphanet 169090, Orphanet 317430, MedGen C2748557, MONDO:0013008, OMIM 612783.

Allele frequency attached by ClinVar (database versions not stated): gnomAD exomes below 0.00001; ExAC 0.00001.
gnomAD v4.1: 2 of 1,614,186 alleles (0.00012%); highest among the groups gnomAD compares: African/African-American, 0.0013%; no homozygotes.

Submissions (2):

Labcorp Genetics (formerly Invitae), Labcorp
Classification: Uncertain significance for Myopathy with tubular aggregates; Combined immunodeficiency due to STIM1 deficiency; Stormorken syndrome. Last evaluated: 2024-10-24. Review status: criteria provided, single submitter. Criteria: Invitae Variant Classification Sherloc (09022015). Collection method: clinical testing. Allele origin: germline.
Comment: This sequence change creates a premature translational stop signal (p.Arg634*) in the STIM1 gene. While this is not anticipated to result in nonsense mediated decay, it is expected to disrupt the last 52 amino acid(s) of the STIM1 protein. This variant is present in population databases (rs756617504, gnomAD 0.007%). This variant has not been reported in the literature in individuals affected with STIM1-related conditions. ClinVar contains an entry for this variant (Variation ID: 488947). Experimental studies and prediction algorithms are not available or were not evaluated, and the functional significance of this variant is currently unknown. In summary, the available evidence is currently insufficient to determine the role of this variant in disease. Therefore, it has been classified as a Variant of Uncertain Significance.

GeneDx
Classification: Uncertain significance. Last evaluated: 2016-10-13. Review status: criteria provided, single submitter. Criteria: GeneDx Variant Classification (06012015). Collection method: clinical testing. Allele origin: germline. Affected: yes.
Comment: The R634X variant in the STIM1 gene has not been reported previously as a pathogenic variant nor as a benign variant, to our knowledge. This variant is predicted to cause loss of normal protein function through protein truncation, as the last 52 amino acids of the protein are lost. The R634X variant was not observed in approximately 6500 individuals of European and African American ancestry in the NHLBI Exome Sequencing Project, indicating it is not a common benign variant in these populations. We interpret R634X as a variant of uncertain significance.

NM_001382567.1(STIM1):c.1993C>T (p.Arg665Ter)

Genes: STIM1 (stromal interaction molecule 1; plus strand), LOC124418421 (Sharpr-MPRA regulatory region 9588; plus strand). Cytogenetic location: 11p15.4.
Variant type: single nucleotide variant.
Coding change: c.1993C>T on transcript NM_001382567.1 (MANE Select); coding-DNA position 1993, C replaced by T.
Protein change: p.Arg665Ter; replaces arginine 665 with a stop codon.
Molecular consequence: nonsense. On other transcripts: 3 prime UTR variant (4), non-coding transcript variant (3).
Genome position (GRCh38, 1-based): chr11:4,091,640, C>T. VCF-style: chr11-4091640-C-T. GRCh37 (hg19) VCF-style: chr11-4112870-C-T.
Other names: c.2218C>T, p.Arg740Ter (NM_001277961.3); c.*314C>T (NM_001277962.2, NM_001382578.1, NM_001382579.1 and 1 more transcripts); c.1996C>T, p.Arg666Ter (NM_001382566.1); c.1921C>T, p.Arg641Ter (NM_001382568.1); c.1765C>T, p.Arg589Ter (NM_001382569.1); c.1672C>T, p.Arg558Ter (NM_001382570.1); c.1420C>T, p.Arg474Ter (NM_001382571.1); c.1678C>T, p.Arg560Ter (NM_001382575.1, NM_001382576.1, NM_001382577.1); and 2 more; short protein forms R634*, R740*, R471*, R474*, R558*, R560*, R589*, R641*.
Identifiers: ClinVar variation 488947 (VCV000488947.4), dbSNP rs756617504, ClinGen allele CA5830647.
Genomic context (GRCh38, chr11:4,091,640, plus strand): 5'-TCCCGTTCTCACAGCCCCAGCTCCCCAGACCCAGACACACCATCTCCAGTTGGGGACAGC[C>T]GAGCCCTGCAAGCCAGCCGAAACACACGCATTCCCCACCTGGCTGGCAAGAAGGCTGTGG-3'